The following is an entry in ClinVar:

NM_000179.3(MSH6):c.3275A>G (p.Lys1092Arg)

Gene: MSH6 (mutS homolog 6; plus strand). Cytogenetic location: 2p16.3.
Variant type: single nucleotide variant.
Coding change: c.3275A>G on transcript NM_000179.3 (MANE Select); coding-DNA position 3275, A replaced by G.
Protein change: p.Lys1092Arg; replaces lysine 1092 with arginine.
Molecular consequence: missense variant. On other transcripts: non-coding transcript variant (5), intron variant (1).
Genome position (GRCh38, 1-based): chr2:47,803,522, A>G. VCF-style: chr2-47803522-A-G. GRCh37 (hg19) VCF-style: chr2-48030661-A-G.
Other names: c.2885A>G, p.Lys962Arg (NM_001281492.2); c.2369A>G, p.Lys790Arg (NM_001281493.2, NM_001281494.2, NM_001406823.1 and 6 more transcripts); c.3371A>G, p.Lys1124Arg (NM_001406795.1, NM_001406802.1); c.3275A>G, p.Lys1092Arg (NM_001406796.1, NM_001406800.1, NM_001406808.1 and 1 more transcripts); c.2978A>G, p.Lys993Arg (NM_001406797.1, NM_001406801.1, NM_001406805.1 and 10 more transcripts); c.2750A>G, p.Lys917Arg (NM_001406799.1, NM_001406806.1, NM_001406807.1); c.2411A>G, p.Lys804Arg (NM_001406803.1); c.3197A>G, p.Lys1066Arg (NM_001406804.1); and 7 more; short protein forms K1066R, K1092R, K1124R, K19R, K1094R, K41R, K570R, K790R.
Identifiers: ClinVar variation 3296393 (VCV003296393.1).
Genomic context (GRCh38, chr2:47,803,522, plus strand): 5'-GTCCTATGTGTCGCCCAGTAATTCTGTTGCCGGAAGATACCCCCCCCTTCTTAGAGCTTA[A>G]AGGATCACGCCATCCTTGCATTACGAAGACTTTTTTTGGAGATGATTTTATTCCTAATGA-3'
Protein context (NP_000170.1, residues 1082-1102): PEDTPPFLEL[Lys1092Arg]GSRHPCITKT

ClinVar aggregate classification (germline): Uncertain significance (1 of 4 stars; one submission).

Conditions:
Hereditary cancer-predisposing syndrome. Also called: Tumor predisposition; Hereditary Cancer Syndrome; Hereditary neoplastic syndrome; Neoplastic Syndromes, Hereditary. Identifiers: Orphanet 140162, MedGen C0027672, MeSH D009386, MONDO:0015356.

Submission:

Ambry Genetics
Classification: Uncertain significance for Hereditary cancer-predisposing syndrome. Last evaluated: 2024-05-18. Review status: criteria provided, single submitter. Criteria: Ambry Variant Classification Scheme 2023. Collection method: clinical testing. Allele origin: germline.
Comment: The p.K1092R variant (also known as c.3275A>G), located in coding exon 5 of the MSH6 gene, results from an A to G substitution at nucleotide position 3275. The lysine at codon 1092 is replaced by arginine, an amino acid with highly similar properties. This amino acid position is not well conserved in available vertebrate species. In addition, this alteration is predicted to be tolerated by in silico analysis. Based on the available evidence, the clinical significance of this variant remains unclear.